The following is an entry in ClinVar:

ClinVar aggregate classification (germline): Uncertain significance. Review status: criteria provided, multiple submitters, no conflicts (2 of 4 stars). 2 submissions from 2 submitters: Uncertain significance (2). Last evaluated 2024-11-05.

Conditions:
Fanconi anemia (FA). Also called: Fanconi's anemia. Identifiers: Orphanet 84, MedGen C0015625, MeSH D005199, MONDO:0019391.

Allele frequency attached by ClinVar (database versions not stated): gnomAD exomes below 0.00001; TOPMed below 0.00001; gnomAD 0.00001.
gnomAD v4.1: 5 of 1,612,400 alleles (0.00031%); highest among the groups gnomAD compares: Non-Finnish European, 0.00042%; no homozygotes.

Submissions (2):

Labcorp Genetics (formerly Invitae), Labcorp
Classification: Uncertain significance for Fanconi anemia. Last evaluated: 2024-11-05. Review status: criteria provided, single submitter. Criteria: Invitae Variant Classification Sherloc (09022015). Collection method: clinical testing. Allele origin: germline.
Comment: This sequence change replaces arginine, which is basic and polar, with histidine, which is basic and polar, at codon 533 of the FANCM protein (p.Arg533His). This variant is not present in population databases (gnomAD no frequency). This variant has not been reported in the literature in individuals affected with FANCM-related conditions. ClinVar contains an entry for this variant (Variation ID: 1521858). An algorithm developed to predict the effect of missense changes on protein structure and function (PolyPhen-2) suggests that this variant is likely to be disruptive. In summary, the available evidence is currently insufficient to determine the role of this variant in disease. Therefore, it has been classified as a Variant of Uncertain Significance.

GeneDx
Classification: Uncertain significance. Last evaluated: 2024-01-22. Review status: criteria provided, single submitter. Criteria: GeneDx Variant Classification Process June 2021. Collection method: clinical testing. Allele origin: germline. Affected: yes.
Comment: Not observed at significant frequency in large population cohorts (gnomAD); In silico analysis supports that this missense variant has a deleterious effect on protein structure/function; Has not been previously published as pathogenic or benign to our knowledge

NM_020937.4(FANCM):c.1598G>A (p.Arg533His)

Gene: FANCM (FA complementation group M; plus strand). Cytogenetic location: 14q21.2.
Variant type: single nucleotide variant.
Coding change: c.1598G>A on transcript NM_020937.4 (MANE Select); coding-DNA position 1598, G replaced by A.
Protein change: p.Arg533His; replaces arginine 533 with histidine.
Molecular consequence: missense variant.
Genome position (GRCh38, 1-based): chr14:45,164,375, G>A. VCF-style: chr14-45164375-G-A. GRCh37 (hg19) VCF-style: chr14-45633578-G-A.
Other names: c.1598G>A (NM_020937.2); c.1520G>A, p.Arg507His (NM_001308133.2); c.1598G>A, p.Arg533His (NM_001308134.2); short protein forms R507H, R533H.
Identifiers: ClinVar variation 1521858 (VCV001521858.7), dbSNP rs1183879113, ClinGen allele CA389593464.